The following is an entry in ClinVar:

ClinVar aggregate classification (germline): Uncertain significance. Review status: criteria provided, multiple submitters, no conflicts (2 of 4 stars). 3 submissions from 3 submitters: Uncertain significance (3). Last evaluated 2023-09-13.

Conditions:
Inborn genetic diseases. Identifiers: MedGen C0950123, MeSH D030342.

Allele frequency attached by ClinVar (database versions not stated): ExAC 0.00005; gnomAD 0.00010; TOPMed 0.00012.

Submissions (3):

GeneDx
Classification: Uncertain significance. Last evaluated: 2023-09-13. Review status: criteria provided, single submitter. Criteria: GeneDx Variant Classification Process June 2021. Collection method: clinical testing. Allele origin: germline. Affected: yes.
Comment: In silico analysis supports that this missense variant has a deleterious effect on protein structure/function; Has not been previously published as pathogenic or benign to our knowledge

Ambry Genetics
Classification: Uncertain significance for Inborn genetic diseases. Last evaluated: 2023-01-26. Review status: criteria provided, single submitter. Criteria: Ambry Variant Classification Scheme 2023. Collection method: clinical testing. Allele origin: germline.

Labcorp Genetics (formerly Invitae), Labcorp
Classification: Uncertain significance. Last evaluated: 2022-06-20. Review status: criteria provided, single submitter. Criteria: Invitae Variant Classification Sherloc (09022015). Collection method: clinical testing. Allele origin: germline.
Comment: This sequence change replaces arginine, which is basic and polar, with tryptophan, which is neutral and slightly polar, at codon 4346 of the HERC1 protein (p.Arg4346Trp). This variant is present in population databases (rs748603693, gnomAD 0.04%). This variant has not been reported in the literature in individuals affected with HERC1-related conditions. Algorithms developed to predict the effect of missense changes on protein structure and function (SIFT, PolyPhen-2, Align-GVGD) all suggest that this variant is likely to be disruptive. In summary, the available evidence is currently insufficient to determine the role of this variant in disease. Therefore, it has been classified as a Variant of Uncertain Significance.

NM_003922.4(HERC1):c.13036C>T (p.Arg4346Trp)

Gene: HERC1 (HECT and RLD domain containing E3 ubiquitin protein ligase family member 1; minus strand). Cytogenetic location: 15q22.31.
Variant type: single nucleotide variant.
Coding change: c.13036C>T on transcript NM_003922.4 (MANE Select); coding-DNA position 13036, C replaced by T.
Protein change: p.Arg4346Trp; replaces arginine 4346 with tryptophan.
Molecular consequence: missense variant.
Genome position (GRCh38, 1-based): chr15:63,628,746, G>A on the plus strand (C>T on the coding strand, the complement: HERC1 is on the minus strand). VCF-style: chr15-63628746-G-A. GRCh37 (hg19) VCF-style: chr15-63920945-G-A.
Other names: c.13036C>T (NM_003922.3); short protein forms R4346W.
Identifiers: ClinVar variation 2197343 (VCV002197343.4), dbSNP rs748603693, ClinGen allele CA7603848.